The following is an entry in ClinVar:

ClinVar aggregate classification (germline): Uncertain significance (1 of 4 stars; one submission).

Allele frequency attached by ClinVar (database versions not stated): gnomAD exomes below 0.00001 and 0.00001; ExAC 0.00001.

Submission:

Labcorp Genetics (formerly Invitae), Labcorp
Classification: Uncertain significance. Last evaluated: 2025-10-28. Review status: criteria provided, single submitter. Criteria: Invitae Variant Classification Sherloc (09022015). Collection method: clinical testing. Allele origin: germline.
Comment: This sequence change replaces tyrosine, which is neutral and polar, with asparagine, which is neutral and polar, at codon 65 of the PORCN protein (p.Tyr65Asn). This variant is present in population databases (rs781793782, gnomAD 0.004%). This variant has not been reported in the literature in individuals affected with PORCN-related conditions. ClinVar contains an entry for this variant (Variation ID: 1430235). Invitae Evidence Modeling of protein sequence and biophysical properties (such as structural, functional, and spatial information, amino acid conservation, physicochemical variation, residue mobility, and thermodynamic stability) has been performed for this missense variant. However, the output from this modeling did not meet the statistical confidence thresholds required to predict the impact of this variant on PORCN protein function. In summary, the available evidence is currently insufficient to determine the role of this variant in disease. Therefore, it has been classified as a Variant of Uncertain Significance.

NM_203475.3(PORCN):c.193T>A (p.Tyr65Asn)

Gene: PORCN (porcupine O-acyltransferase; plus strand). Cytogenetic location: Xp11.23.
Variant type: single nucleotide variant.
Coding change: c.193T>A on transcript NM_203475.3 (MANE Select); coding-DNA position 193, T replaced by A.
Protein change: p.Tyr65Asn; replaces tyrosine 65 with asparagine.
Molecular consequence: missense variant. On other transcripts: intron variant (1).
Genome position (GRCh38, 1-based): chrX:48,511,351, T>A. VCF-style: chrX-48511351-T-A. GRCh37 (hg19) VCF-style: chrX-48369739-T-A.
Other names: c.193T>A, p.Tyr65Asn (NM_022825.4, NM_203473.3, NM_203474.1); c.-6-15T>A (NM_001282167.2); short protein forms Y65N.
Identifiers: ClinVar variation 1430235 (VCV001430235.8), dbSNP rs781793782, ClinGen allele CA10402709.